The following is an entry in ClinVar:

NM_000465.4(BARD1):c.1550G>A (p.Gly517Glu)

Gene: BARD1 (BRCA1 associated RING domain 1; minus strand). Cytogenetic location: 2q35.
Variant type: single nucleotide variant.
Coding change: c.1550G>A on transcript NM_000465.4 (MANE Select); coding-DNA position 1550, G replaced by A.
Protein change: p.Gly517Glu; replaces glycine 517 with glutamic acid.
Molecular consequence: missense variant. On other transcripts: non-coding transcript variant (3), intron variant (3).
Genome position (GRCh38, 1-based): chr2:214,767,500, C>T on the plus strand (G>A on the coding strand, the complement: BARD1 is on the minus strand). VCF-style: chr2-214767500-C-T. GRCh37 (hg19) VCF-style: chr2-215632224-C-T.
Other names: c.1493G>A, p.Gly498Glu (NM_001282543.2); c.159-14945G>A (NM_001282548.2); c.216-14945G>A (NM_001282545.2); c.364+24797G>A (NM_001282549.2); short protein forms G498E, G517E.
Identifiers: ClinVar variation 4732881 (VCV004732881.1).

ClinVar aggregate classification (germline): Uncertain significance (1 of 4 stars; one submission).

Conditions:
Familial cancer of breast. Also called: hereditary breast carcinoma; BREAST CANCER, FAMILIAL; Hereditary breast cancer. Identifiers: Orphanet 227535, MedGen C0346153, MONDO:0016419, OMIM 114480. Disease mechanism: loss of function.

Submission:

Labcorp Genetics (formerly Invitae), Labcorp
Classification: Uncertain significance for Familial cancer of breast. Last evaluated: 2025-12-10. Review status: criteria provided, single submitter. Criteria: Invitae Variant Classification Sherloc (09022015). Collection method: clinical testing. Allele origin: germline.
Comment: This sequence change replaces glycine, which is neutral and non-polar, with glutamic acid, which is acidic and polar, at codon 517 of the BARD1 protein (p.Gly517Glu). This variant is not present in population databases (gnomAD no frequency). This variant has not been reported in the literature in individuals affected with BARD1-related conditions. An algorithm developed to predict the effect of missense changes on protein structure and function (PolyPhen-2) suggests that this variant is likely to be disruptive. In summary, the available evidence is currently insufficient to determine the role of this variant in disease. Therefore, it has been classified as a Variant of Uncertain Significance.